The following is an entry in ClinVar:

ClinVar aggregate classification (germline): Uncertain significance (1 of 4 stars; one submission).

Conditions:
Distal myopathy with posterior leg and anterior hand involvement. Also called: WILLIAMS DISTAL MYOPATHY. Identifiers: Orphanet 63273, MedGen C3279722, MONDO:0013550, OMIM 614065.
Myofibrillar myopathy 5. Also called: Filaminopathy (type); FILAMINOPATHY, AUTOSOMAL DOMINANT. Identifiers: Orphanet 171445, MedGen C1836050, MONDO:0012289, OMIM 609524.
Hypertrophic cardiomyopathy 26. Also called: Cardiomyopathy, familial hypertrophic, 26. Identifiers: Orphanet 75249, MedGen C4310749, MONDO:0014883, OMIM 617047.

Allele frequency attached by ClinVar (database versions not stated): gnomAD 0.00001.
gnomAD v4.1: 1 of 1,614,080 alleles (0.000062%); highest among the groups gnomAD compares: Middle Eastern, 0.016%; no homozygotes.

Submission:

Labcorp Genetics (formerly Invitae), Labcorp
Classification: Uncertain significance for Distal myopathy with posterior leg and anterior hand involvement; Myofibrillar myopathy 5; Hypertrophic cardiomyopathy 26. Last evaluated: 2021-05-26. Review status: criteria provided, single submitter. Criteria: Invitae Variant Classification Sherloc (09022015). Collection method: clinical testing. Allele origin: germline.
Comment: In summary, the available evidence is currently insufficient to determine the role of this variant in disease. Therefore, it has been classified as a Variant of Uncertain Significance. Algorithms developed to predict the effect of missense changes on protein structure and function are either unavailable or do not agree on the potential impact of this missense change (SIFT: "Deleterious"; PolyPhen-2: "Probably Damaging"; Align-GVGD: "Class C0"). This variant has not been reported in the literature in individuals with FLNC-related conditions. ClinVar contains an entry for this variant (Variation ID: 582381). This variant is not present in population databases (ExAC no frequency). This sequence change replaces histidine with tyrosine at codon 1139 of the FLNC protein (p.His1139Tyr). The histidine residue is moderately conserved and there is a moderate physicochemical difference between histidine and tyrosine.

NM_001458.5(FLNC):c.3415C>T (p.His1139Tyr)

Gene: FLNC (filamin C; plus strand). Cytogenetic location: 7q32.1.
Variant type: single nucleotide variant.
Coding change: c.3415C>T on transcript NM_001458.5 (MANE Select); coding-DNA position 3415, C replaced by T.
Protein change: p.His1139Tyr; replaces histidine 1139 with tyrosine.
Molecular consequence: missense variant.
Genome position (GRCh38, 1-based): chr7:128,844,880, C>T. VCF-style: chr7-128844880-C-T. GRCh37 (hg19) VCF-style: chr7-128484934-C-T.
Other names: c.3415C>T, p.His1139Tyr (NM_001127487.2); short protein forms H1139Y.
Identifiers: ClinVar variation 582381 (VCV000582381.9), dbSNP rs1562996847, ClinGen allele CA369196802.
Genomic context (GRCh38, chr7:128,844,880, plus strand): 5'-GTCAGCTACCTGCCCACGGAGCCTGGCGAGTACACCATCAACATCCTGTTTGCTGAGGCC[C>T]ACATCCCTGGCTCGCCCTTCAAAGCCACCATTCGGCCTGTGTTTGACCCGAGCAAGGTGC-3'
Protein context (NP_001449.3, residues 1129-1149): YTINILFAEA[His1139Tyr]IPGSPFKATI